The following is an entry in ClinVar:

ClinVar aggregate classification (germline): Uncertain significance. Review status: criteria provided, multiple submitters, no conflicts (2 of 4 stars). 6 submissions from 5 submitters: Uncertain significance (6). Last evaluated 2025-11-09.

Conditions:
Muscular dystrophy-dystroglycanopathy type B6 (MDDGB6). Also called: MUSCULAR DYSTROPHY-DYSTROGLYCANOPATHY (CONGENITAL WITH IMPAIRED INTELLECTUAL DEVELOPMENT), TYPE B, 6; MUSCULAR DYSTROPHY, CONGENITAL, LARGE-RELATED; MUSCULAR DYSTROPHY, CONGENITAL, TYPE 1D. Identifiers: MedGen C1837229, MONDO:0012138, OMIM 608840.
Muscular dystrophy-dystroglycanopathy (congenital with brain and eye anomalies), type A6. Also called: MUSCULAR DYSTROPHY-DYSTROGLYCANOPATHY (CONGENITAL WITH BRAIN AND EYE ANOMALIES), TYPE A, 6; WALKER-WARBURG SYNDROME OR MUSCLE-EYE-BRAIN DISEASE, LARGE-RELATED. Identifiers: Orphanet 588, Orphanet 899, MedGen C3150414, MONDO:0013158, OMIM 613154.

Allele frequency attached by ClinVar (database versions not stated): gnomAD 0.00001; TOPMed 0.00002; ExAC 0.00003.
gnomAD v4.1: 16 of 1,609,680 alleles (0.00099%); highest among the groups gnomAD compares: East Asian, 0.0022%; no homozygotes.

Submissions (6):

Mayo Clinic Laboratories, Mayo Clinic
Classification: Uncertain significance. Last evaluated: 2025-11-09. Review status: criteria provided, single submitter. Criteria: ACMG Guidelines, 2015. Collection method: clinical testing. Allele origin: germline. Observed: 1 variant allele.
Comment: BP4

Fulgent Genetics
Classification: Uncertain significance for Muscular dystrophy-dystroglycanopathy type B6; Muscular dystrophy-dystroglycanopathy (congenital with brain and eye anomalies), type A6. Last evaluated: 2024-02-26. Review status: criteria provided, single submitter. Criteria: ACMG Guidelines, 2015. Collection method: clinical testing. Allele origin: germline.

Labcorp Genetics (formerly Invitae), Labcorp
Classification: Uncertain significance for Muscular dystrophy-dystroglycanopathy type B6. Last evaluated: 2022-08-19. Review status: criteria provided, single submitter. Criteria: Invitae Variant Classification Sherloc (09022015). Collection method: clinical testing. Allele origin: germline.
Comment: This sequence change replaces asparagine, which is neutral and polar, with threonine, which is neutral and polar, at codon 76 of the LARGE1 protein (p.Asn76Thr). This variant is present in population databases (rs752854659, gnomAD 0.002%). This variant has not been reported in the literature in individuals affected with LARGE1-related conditions. ClinVar contains an entry for this variant (Variation ID: 902996). Algorithms developed to predict the effect of missense changes on protein structure and function are either unavailable or do not agree on the potential impact of this missense change (SIFT: "Deleterious"; PolyPhen-2: "Probably Damaging"; Align-GVGD: "Class C0"). In summary, the available evidence is currently insufficient to determine the role of this variant in disease. Therefore, it has been classified as a Variant of Uncertain Significance.

GeneDx
Classification: Uncertain significance. Last evaluated: 2022-08-15. Review status: criteria provided, single submitter. Criteria: GeneDx Variant Classification Process June 2021. Collection method: clinical testing. Allele origin: germline. Affected: yes.
Comment: Not observed at significant frequency in large population cohorts (gnomAD); In silico analysis, which includes protein predictors and evolutionary conservation, supports a deleterious effect; Has not been previously published as pathogenic or benign to our knowledge; This variant is associated with the following publications: (PMID: 24709677, 25279699)

Illumina Laboratory Services, Illumina
Classification: Uncertain significance for Muscular dystrophy-dystroglycanopathy type B6. Last evaluated: 2018-01-13. Review status: criteria provided, single submitter. Criteria: ICSL Variant Classification Criteria 13 December 2019. Collection method: clinical testing. Allele origin: germline.

Illumina Laboratory Services, Illumina
Classification: Uncertain significance for Muscular dystrophy-dystroglycanopathy (congenital with brain and eye anomalies), type A6. Last evaluated: 2018-01-13. Review status: criteria provided, single submitter. Criteria: ICSL Variant Classification Criteria 13 December 2019. Collection method: clinical testing. Allele origin: germline.

NM_133642.5(LARGE1):c.227A>C (p.Asn76Thr)

Gene: LARGE1 (LARGE xylosyl- and glucuronyltransferase 1; minus strand). Cytogenetic location: 22q12.3.
Variant type: single nucleotide variant.
Coding change: c.227A>C on transcript NM_133642.5 (MANE Select); coding-DNA position 227, A replaced by C.
Protein change: p.Asn76Thr; replaces asparagine 76 with threonine.
Molecular consequence: missense variant.
Genome position (GRCh38, 1-based): chr22:33,650,548, T>G on the plus strand (A>C on the coding strand, the complement: LARGE1 is on the minus strand). VCF-style: chr22-33650548-T-G. GRCh37 (hg19) VCF-style: chr22-34046534-T-G.
Other names: p.Asn76Thr; c.227A>C, p.Asn76Thr (NM_001362949.2, NM_001362951.2, NM_001362953.2 and 7 more transcripts); c.227A>C (NM_004737.6); short protein forms N76T.
Identifiers: ClinVar variation 902996 (VCV000902996.13), dbSNP rs752854659, ClinGen allele CA10203119.